The following is an entry in ClinVar:

NC_000016.9:g.(?_1621388)_(1621555_?)del

Gene: IFT140 (intraflagellar transport 140; minus strand). Cytogenetic location: 16p13.3.
Variant type: Deletion.
Identifiers: ClinVar variation 1458035 (VCV001458035.7).

ClinVar aggregate classification (germline): Pathogenic (1 of 4 stars; one submission).

Conditions:
Saldino-Mainzer syndrome (SRTD9). Also called: Renal dysplasia, retinal pigmentary dystrophy, cerebellar ataxia and skeletal dysplasia; CONORENAL SYNDROME; SHORT-RIB THORACIC DYSPLASIA 9 WITHOUT POLYDACTYLY; short-rib thoracic dysplasia 9 with or without polydactyly. Identifiers: Orphanet 140969, MedGen C1849437, MONDO:0009964, OMIM 266920.

Submission:

Labcorp Genetics (formerly Invitae), Labcorp
Classification: Pathogenic for Saldino-Mainzer syndrome. Last evaluated: 2023-08-29. Review status: criteria provided, single submitter. Criteria: Invitae Variant Classification Sherloc (09022015). Collection method: clinical testing. Allele origin: germline.
Comment: For these reasons, this variant has been classified as Pathogenic. This variant has not been reported in the literature in individuals affected with IFT140-related conditions. This variant is a gross deletion of the genomic region encompassing exon(s) 14 of the IFT140 gene. This deletion is out-of-frame, and is expected to create a premature termination codon and result in an absent or disrupted protein product. Loss-of-function variants in IFT140 are known to be pathogenic (PMID: 22503633, 23418020, 24009529, 26216056).

Literature cited by the submitters: PubMed 22503633; PubMed 23418020; PubMed 24009529; PubMed 26216056.